The following is an entry in ClinVar:

NM_032043.3(BRIP1):c.1474-5T>A

Gene: BRIP1 (BRCA1 interacting DNA helicase 1; minus strand). Cytogenetic location: 17q23.2.
Variant type: single nucleotide variant.
Coding change: c.1474-5T>A on transcript NM_032043.3 (MANE Select); 5 bases into the intron before coding-DNA position 1474, T replaced by A.
Molecular consequence: intron variant.
Genome position (GRCh38, 1-based): chr17:61,784,429, A>T on the plus strand (T>A on the coding strand, the complement: BRIP1 is on the minus strand). VCF-style: chr17-61784429-A-T. GRCh37 (hg19) VCF-style: chr17-59861790-A-T.
Identifiers: ClinVar variation 483168 (VCV000483168.6), dbSNP rs1288728720, ClinGen allele CA658658674.

ClinVar aggregate classification (germline): Uncertain significance. Review status: criteria provided, multiple submitters, no conflicts (2 of 4 stars). 2 submissions from 2 submitters: Uncertain significance (2). Last evaluated 2025-05-26.

Conditions:
Hereditary cancer-predisposing syndrome. Also called: Hereditary neoplastic syndrome; Neoplastic Syndromes, Hereditary; Tumor predisposition; Hereditary Cancer Syndrome. Identifiers: Orphanet 140162, MedGen C0027672, MeSH D009386, MONDO:0015356.
Fanconi anemia complementation group J. Also called: BRIP1-Related Fanconi Anemia. Identifiers: Orphanet 84, MedGen C1836860, MONDO:0012187, OMIM 609054.
Familial cancer of breast. Also called: BREAST CANCER, FAMILIAL; Hereditary breast cancer; hereditary breast carcinoma. Identifiers: Orphanet 227535, MedGen C0346153, MONDO:0016419, OMIM 114480. Disease mechanism: loss of function.

Allele frequency attached by ClinVar (database versions not stated): TOPMed below 0.00001.

Submissions (2):

Labcorp Genetics (formerly Invitae), Labcorp
Classification: Uncertain significance for Familial cancer of breast; Fanconi anemia complementation group J. Last evaluated: 2025-05-26. Review status: criteria provided, single submitter. Criteria: Invitae Variant Classification Sherloc (09022015). Collection method: clinical testing. Allele origin: germline.
Comment: This sequence change falls in intron 10 of the BRIP1 gene. It does not directly change the encoded amino acid sequence of the BRIP1 protein. RNA analysis indicates that this variant induces altered splicing and may result in an absent or altered protein product. This variant is not present in population databases (gnomAD no frequency). This variant has not been reported in the literature in individuals affected with BRIP1-related conditions. ClinVar contains an entry for this variant (Variation ID: 483168). Studies have shown that this variant results in skipping of exon 11, and produces a non-functional protein and/or introduces a premature termination codon (internal data). In summary, the available evidence is currently insufficient to determine the role of this variant in disease. Therefore, it has been classified as a Variant of Uncertain Significance.

Ambry Genetics
Classification: Uncertain significance for Hereditary cancer-predisposing syndrome. Last evaluated: 2020-07-16. Review status: criteria provided, single submitter. Criteria: Ambry Variant Classification Scheme 2023. Collection method: clinical testing. Allele origin: germline.
Comment: The c.1474-5T>A intronic variant results from a T to A substitution 5 nucleotides upstream from coding exon 10 in the BRIP1 gene. This nucleotide position is well conserved in available vertebrate species. In silico splice site analysis predicts that this alteration will weaken the native splice acceptor site. Since supporting evidence is limited at this time, the clinical significance of this alteration remains unclear.